The following is an entry in ClinVar:

ClinVar aggregate classification (germline): Pathogenic. Review status: criteria provided, multiple submitters, no conflicts (2 of 4 stars). 3 submissions from 3 submitters: Pathogenic (2). 1 of the submissions does not count toward it. Last evaluated 2022-07-05.

Conditions:
Myeloid maturation arrest. Identifiers: MedGen C0151787, HP:0410253.
3-Methylglutaric aciduria. Identifiers: MedGen C3151952, HP:0003344.
Microcytic anemia. Identifiers: MedGen C5194182, MONDO:0001245, HP:0001935. Disease mechanism: loss of function.
3-Methylglutaconic aciduria. Identifiers: Orphanet 289902, MedGen C3696376, MONDO:0017359, HP:0003535.
3-methylglutaconic aciduria, type VIIB (MGCA7B). Also called: 3-methylglutaconic aciduria, type VII, with cataracts, neurologic involvement and neutropenia; 3-methylglutaconic aciduria with cataracts, neurologic involvement and neutropenia; CLPB Deficiency. Identifiers: Orphanet 445038, MedGen C5676893, MONDO:0014561, OMIM 616271.

Submissions (3):

GeneDx
Classification: Pathogenic. Last evaluated: 2022-07-05. Review status: criteria provided, single submitter. Criteria: GeneDx Variant Classification Process June 2021. Collection method: clinical testing. Allele origin: germline. Affected: yes.
Comment: Not observed at significant frequency in large population cohorts (gnomAD); In silico analysis supports that this missense variant has a deleterious effect on protein structure/function; This variant is associated with the following publications: (PMID: 34140661)

Institute of Human Genetics Munich, TUM University Hospital
Classification: Pathogenic for Myeloid maturation arrest; 3-Methylglutaric aciduria; Microcytic anemia; 3-Methylglutaconic aciduria. Last evaluated: 2020-11-13. Review status: criteria provided, single submitter. Criteria: Classification criteria August 2017. Collection method: clinical testing. Allele origin: de novo. Inheritance: Autosomal dominant inheritance. Affected: yes. Observed: 1 variant allele.

OMIM
Classification: Pathogenic for 3-METHYLGLUTACONIC ACIDURIA, TYPE VIIA. Last evaluated: 2022-08-11. Review status: no assertion criteria provided. Collection method: literature only. Allele origin: germline. Not counted in ClinVar's aggregate classification.

Literature cited by the submitters: PubMed 34140661 (cited by OMIM).

NM_001258392.3(CLPB):c.1588G>A (p.Gly530Arg)

Gene: CLPB (ClpB family mitochondrial disaggregase; minus strand). Cytogenetic location: 11q13.4.
Variant type: single nucleotide variant.
Coding change: c.1588G>A on transcript NM_001258392.3 (MANE Select); coding-DNA position 1588, G replaced by A.
Protein change: p.Gly530Arg; replaces glycine 530 with arginine.
Molecular consequence: missense variant.
Genome position (GRCh38, 1-based): chr11:72,294,417, C>T on the plus strand (G>A on the coding strand, the complement: CLPB is on the minus strand). VCF-style: chr11-72294417-C-T. GRCh37 (hg19) VCF-style: chr11-72005461-C-T.
Other names: c.1501G>A, p.Gly501Arg (NM_001258393.3); c.1543G>A, p.Gly515Arg (NM_001258394.3); c.1678G>A, p.Gly560Arg (NM_030813.6); short protein forms G560R, G501R, G515R, G530R.
Identifiers: ClinVar variation 1676588 (VCV001676588.5), dbSNP rs2135485868, ClinGen allele CA381726574.
Genomic context (GRCh38, chr11:72,294,417, plus strand): 5'-CGAGTTGGATGAGCTCCGAGTGGCAGAAGGGGAGGAAGTAGACGATCTCATTGATCCGTC[C>T]CAGAAACTCATCCCTCCGGAAGTGAGCCTGAAGGGCCAGGTTAGGGGTGGGATGAGCTCA-3'
Protein context (NP_001245321.1, residues 520-540): KAHFRRDEFL[Gly530Arg]RINEIVYFLP